The following is an entry in ClinVar:

NM_033380.3(COL4A5):c.2540_2563del (p.Asp847_Asp854del)

Gene: COL4A5 (collagen type IV alpha 5 chain; plus strand). Cytogenetic location: Xq22.3.
Variant type: Deletion.
Coding change: c.2540_2563del on transcript NM_033380.3 (MANE Select); coding-DNA positions 2540 to 2563, 24 bases deleted (ATCCAGGACCTCCTGGACTTGATG).
Protein change: p.Asp847_Asp854del.
Molecular consequence: inframe deletion.
Genome position (GRCh38, 1-based): chrX:108,620,289-108,620,312, ATCCAGGACCTCCTGGACTTGATG deleted; deleting any 24 consecutive bases within chrX:108,620,288-108,620,312 gives the same sequence; the c. name uses the placement nearest the transcript's 3' end. VCF-style (leftmost placement, unchanged base first): chrX-108620287-GGATCCAGGACCTCCTGGACTTGAT-G. GRCh37 (hg19) VCF-style: chrX-107863517-GGATCCAGGACCTCCTGGACTTGAT-G.
Other names: c.2540_2563del, p.Asp847_Asp854del (NM_000495.5).
Identifiers: ClinVar variation 2047369 (VCV002047369.4), dbSNP rs2524395491, ClinGen allele CA2580100187.

ClinVar aggregate classification (germline): Pathogenic (1 of 4 stars; one submission).

Submission:

Labcorp Genetics (formerly Invitae), Labcorp
Classification: Pathogenic. Last evaluated: 2025-07-21. Review status: criteria provided, single submitter. Criteria: Invitae Variant Classification Sherloc (09022015). Collection method: clinical testing. Allele origin: germline.
Comment: This variant, c.2540_2563del, results in the deletion of 8 amino acid(s) of the COL4A5 protein (p.Asp847_Asp854del), but otherwise preserves the integrity of the reading frame. This variant is not present in population databases (gnomAD no frequency). This variant has not been reported in the literature in individuals affected with COL4A5-related conditions. ClinVar contains an entry for this variant (Variation ID: 2047369). This variant disrupts the triple helix domain of COL4A5. Glycine residues within the Gly-Xaa-Yaa repeats of the triple helix domain are required for the structure and stability of fibrillar collagens (PMID: 7695699, 8218237, 19344236). In COL4A5, missense variants at these glycine residues are significantly enriched in individuals with disease (PMID: 23720012, 27627812) compared to the general population (ExAC). This variant disrupts a region of the COL4A5 protein in which other variant(s) (p.Gly852Arg) have been determined to be pathogenic (PMID: 8893151; internal data). This suggests that this is a clinically significant region of the protein, and that variants that disrupt it are likely to be disease-causing. For these reasons, this variant has been classified as Pathogenic.

Literature cited by the submitters: PubMed 7695699; PubMed 8218237; PubMed 19344236; PubMed 23720012; PubMed 27627812; PubMed 8893151.